The following is an entry in ClinVar:

NM_007294.3:c.5075_5277dup

Gene: BRCA1 (BRCA1 DNA repair associated; minus strand).
Variant type: Duplication.
Identifiers: ClinVar variation 4857230 (VCV004857230.1).

ClinVar aggregate classification (germline): Likely pathogenic (1 of 4 stars; one submission).

Submission:

Quest Diagnostics Nichols Institute San Juan Capistrano
Classification: Likely pathogenic. Last evaluated: 2026-04-07. Review status: criteria provided, single submitter. Criteria: Quest Diagnostics criteria. Collection method: clinical testing. Allele origin: unknown.
Comment: This variant results in the duplication of a genomic region which encompasses exons 17-19 (c.5075_5277, also known as exons 18-20 using legacy nomenclature) in the BRCA1 gene. A tandem duplication of exons 17-19 (legacy exons 18-20) in the BRCA1 gene is predicted to disrupt the translation reading frame of the BRCA1 mRNA. While we are unable to determine if this duplication occurs in tandem with exons 17-19 (legacy exons 18-20) of the BRCA1 gene, studies of duplication breakpoints have indicated that the majority of gross duplications occur in tandem (PMID: 30054569 (2019), 25640679 (2015)). In the published literature, a similar duplication of exons 17-19 (legacy exons 18-20) in the BRCA1 gene has been reported to occur in tandem in an individual affected with breast cancer (PMID: 37263769 (2023)). It has also been reported in individuals with a personal and/or family history of breast and/or ovarian cancer (PMIDs: 12203994 (2002), 12360411 (2002), 18330910 (2008)). This variant has not been reported in large, multi-ethnic general populations (Genome Aggregation Database). Based on the available information, this variant is classified as likely pathogenic.

Literature cited by the submitters: PubMed 12203994; PubMed 27376475; PubMed 37263769; PubMed 12360411; PubMed 20232141; PubMed 22473970; PubMed 18330910.